The following is an entry in ClinVar:

ClinVar aggregate classification (germline): Likely pathogenic (0 of 4 stars; one submission).

Conditions:
Marfan syndrome (MFS). Also called: MARFAN SYNDROME, TYPE I; Marfan syndrome type 1; Marfan's syndrome; FBN1-Related Marfan Syndrome; Marfan syndrome, classic. Identifiers: Orphanet 284963, Orphanet 558, MedGen C0024796, MONDO:0007947, OMIM 154700.

Submission:

Department of Laboratory Medicine and Genetics, Samsung Medical Center
Classification: Likely pathogenic for Marfan syndrome. Last evaluated: 2025-01-02. Review status: no assertion criteria provided. Collection method: clinical testing. Allele origin: germline.
Comment: The NM_000138.5:c.4388A>C is considered to be rare in the general population database (gnomAD v2.1.1). This variant is predicted to be deletrious by in-silico analysis (REVEL). This variant is located in functional domains and a different missense variant at the same residue is determined to be pathogenic (c.4388A>G, p.Asn1463Ser). In summary, this variant was classified as a likely pathogenic variant for Marfan syndrome (PM1, PM5, PP2, PP3, PM2_P).

Literature cited by the submitters: PubMed 37558401.

NM_000138.5(FBN1):c.4388A>C (p.Asn1463Thr)

Gene: FBN1 (fibrillin 1; minus strand). Cytogenetic location: 15q21.1.
Variant type: single nucleotide variant.
Coding change: c.4388A>C on transcript NM_000138.5 (MANE Select); coding-DNA position 4388, A replaced by C.
Protein change: p.Asn1463Thr; replaces asparagine 1463 with threonine.
Molecular consequence: missense variant.
Genome position (GRCh38, 1-based): chr15:48,470,705, T>G on the plus strand (A>C on the coding strand, the complement: FBN1 is on the minus strand). VCF-style: chr15-48470705-T-G. GRCh37 (hg19) VCF-style: chr15-48762902-T-G.
Other names: c.4388A>C, p.Asn1463Thr (NM_001406716.1); short protein forms N1463T.
Identifiers: ClinVar variation 3600240 (VCV003600240.1).